The following is an entry in ClinVar:

NM_002547.3(OPHN1):c.1026-10T>C

Gene: OPHN1 (oligophrenin 1; minus strand). Cytogenetic location: Xq12.
Variant type: single nucleotide variant.
Coding change: c.1026-10T>C on transcript NM_002547.3 (MANE Select); 10 bases into the intron before coding-DNA position 1026, T replaced by C.
Molecular consequence: intron variant.
Genome position (GRCh38, 1-based): chrX:68,197,274, A>G on the plus strand (T>C on the coding strand, the complement: OPHN1 is on the minus strand). VCF-style: chrX-68197274-A-G. GRCh37 (hg19) VCF-style: chrX-67417116-A-G.
Other names: c.1026-10T>C (NM_002547.2).
Identifiers: ClinVar variation 2081740 (VCV002081740.5), dbSNP rs762846783, ClinGen allele CA10436992.

ClinVar aggregate classification (germline): Benign. Review status: criteria provided, single submitter (1 of 4 stars). 2 submissions from 2 submitters: Benign (1). 1 of the submissions does not count toward it. Last evaluated 2025-10-28.

Conditions:
OPHN1-related disorder.

Allele frequency attached by ClinVar (database versions not stated): gnomAD exomes 0.00004; gnomAD 0.00006; TOPMed 0.00012; ExAC 0.00014.
gnomAD v4.1: 48 of 1,176,813 alleles (0.0041%); highest among the groups gnomAD compares: East Asian, 0.063%; no homozygotes.

Submissions (2):

Labcorp Genetics (formerly Invitae), Labcorp
Classification: Benign. Last evaluated: 2025-10-28. Review status: criteria provided, single submitter. Criteria: Invitae Variant Classification Sherloc (09022015). Collection method: clinical testing. Allele origin: germline.

PreventionGenetics, part of Exact Sciences
Classification: Likely benign for OPHN1-related condition. Last evaluated: 2024-07-29. Review status: no assertion criteria provided. Collection method: clinical testing. Allele origin: germline. Not counted in ClinVar's aggregate classification.
Comment: This variant is classified as likely benign based on ACMG/AMP sequence variant interpretation guidelines (Richards et al. 2015 PMID: 25741868, with internal and published modifications).